The following is an entry in ClinVar:

NM_182894.3(VSX2):c.471C>T (p.Ser157=)

Gene: VSX2 (visual system homeobox 2; plus strand). Cytogenetic location: 14q24.3.
Variant type: single nucleotide variant.
Coding change: c.471C>T on transcript NM_182894.3 (MANE Select); coding-DNA position 471, C replaced by T.
Protein change: p.Ser157=; no amino-acid change (serine 157 retained).
Molecular consequence: synonymous variant.
Genome position (GRCh38, 1-based): chr14:74,245,180, C>T. VCF-style: chr14-74245180-C-T. GRCh37 (hg19) VCF-style: chr14-74711883-C-T.
Identifiers: ClinVar variation 167840 (VCV000167840.27), dbSNP rs35435463, ClinGen allele CA180495.

ClinVar aggregate classification (germline): Benign. Review status: criteria provided, multiple submitters, no conflicts (2 of 4 stars). 12 submissions from 10 submitters: Benign (9). 3 of the submissions do not count toward it. Last evaluated 2026-02-04.

Conditions:
Microphthalmia. Also called: Microphthalmos. Identifiers: MedGen C0026010, MONDO:0021129, HP:0000568.
Isolated microphthalmia 2. Identifiers: Orphanet 2542, MedGen C1864720, MONDO:0012409, OMIM 610093.
Microphthalmia, isolated, with coloboma 3 (MCOPCB3). Also called: MICROPHTHALMIA/COLOBOMA 3; MICROPHTHALMIA, COLOBOMATOUS, 3. Identifiers: Orphanet 98938, MedGen C1864721, MONDO:0012408, OMIM 610092.

Allele frequency attached by ClinVar (database versions not stated): 1000 Genomes Project 0.25998; 1000 Genomes Project 30x 0.26483; TOPMed 0.36023; gnomAD 0.38043 and 0.38441; ESP Exome Variant Server 0.38836; ExAC 0.42166; gnomAD exomes 0.42930 and 0.48683.
gnomAD v4.1: 766,633 of 1,612,744 alleles (48%); highest among the groups gnomAD compares: Non-Finnish European, 52%; 194,901 homozygotes.

Submissions (12):

Labcorp Genetics (formerly Invitae), Labcorp
Classification: Benign for Isolated microphthalmia 2. Last evaluated: 2026-02-04. Review status: criteria provided, single submitter. Criteria: Invitae Variant Classification Sherloc (09022015). Collection method: clinical testing. Allele origin: germline.

Genome-Nilou Lab
Classification: Benign for Microphthalmia, isolated, with coloboma 3. Last evaluated: 2021-07-10. Review status: criteria provided, single submitter. Criteria: ACMG Guidelines, 2015. Collection method: clinical testing. Allele origin: germline. Affected: no.

Genome-Nilou Lab
Classification: Benign for Isolated microphthalmia 2. Last evaluated: 2021-07-10. Review status: criteria provided, single submitter. Criteria: ACMG Guidelines, 2015. Collection method: clinical testing. Allele origin: germline. Affected: no.

Illumina Laboratory Services, Illumina
Classification: Benign for Microphthalmia, isolated, with coloboma 3. Last evaluated: 2018-01-13. Review status: criteria provided, single submitter. Criteria: ICSL Variant Classification Criteria 13 December 2019. Collection method: clinical testing. Allele origin: germline.
Comment: This variant was observed in the ICSL laboratory as part of a predisposition screen in an ostensibly healthy population. It had not been previously curated by ICSL or reported in the Human Gene Mutation Database (HGMD: prior to June 1st, 2018), and was therefore a candidate for classification through an automated scoring system. Utilizing variant allele frequency, disease prevalence and penetrance estimates, and inheritance mode, an automated score was calculated to assess if this variant is too frequent to cause the disease. Based on the score and internal cut-off values, a variant classified as benign is not then subjected to further curation. The score for this variant resulted in a classification of benign for this disease.

Illumina Laboratory Services, Illumina
Classification: Benign for Isolated microphthalmia 2. Last evaluated: 2018-01-13. Review status: criteria provided, single submitter. Criteria: ICSL Variant Classification Criteria 13 December 2019. Collection method: clinical testing. Allele origin: germline.
Comment: the same text as in the submission from Illumina Laboratory Services, Illumina above.

GeneDx
Classification: Benign. Last evaluated: 2015-03-03. Review status: criteria provided, single submitter. Criteria: GeneDx Variant Classification Process June 2021. Collection method: clinical testing. Allele origin: germline. Affected: yes.

Eurofins Ntd Llc (ga)
Classification: Benign. Last evaluated: 2014-02-27. Review status: criteria provided, single submitter. Criteria: EGL Classification Definitions 2015. Collection method: clinical testing. Allele origin: germline. Observed: 1 variant allele, 1 heterozygote.

Breakthrough Genomics
Classification: Benign. Review status: criteria provided, single submitter. Criteria: ACMG Guidelines, 2015. Collection method: not provided. Allele origin: germline. Inheritance: Autosomal recessive inheritance. Affected: yes.

PreventionGenetics, part of Exact Sciences
Classification: Benign. Review status: criteria provided, single submitter. Criteria: ACMG Guidelines, 2015. Collection method: clinical testing. Allele origin: germline.

Natera, Inc.
Classification: Benign for Microphthalmia. Last evaluated: 2019-11-19. Review status: no assertion criteria provided. Collection method: clinical testing. Allele origin: germline. Not counted in ClinVar's aggregate classification.

Diagnostic Laboratory, Department of Genetics, University Medical Center Groningen
Classification: Benign. Review status: no assertion criteria provided. Collection method: clinical testing. Allele origin: germline. Affected: yes. Study: VKGL Data-share Consensus. Not counted in ClinVar's aggregate classification.

Genome Diagnostics Laboratory, Amsterdam University Medical Center
Classification: Benign. Review status: no assertion criteria provided. Collection method: clinical testing. Allele origin: germline. Affected: yes. Study: VKGL Data-share Consensus. Not counted in ClinVar's aggregate classification.